The following is an entry in ClinVar:

NM_001384140.1(PCDH15):c.1987C>G (p.Leu663Val)

Gene: PCDH15 (protocadherin related 15; minus strand). Cytogenetic location: 10q21.1.
Variant type: single nucleotide variant.
Coding change: c.1987C>G on transcript NM_001384140.1 (MANE Select); coding-DNA position 1987, C replaced by G.
Protein change: p.Leu663Val; replaces leucine 663 with valine.
Molecular consequence: missense variant. On other transcripts: intron variant (1).
Genome position (GRCh38, 1-based): chr10:54,089,994, G>C on the plus strand (C>G on the coding strand, the complement: PCDH15 is on the minus strand). VCF-style: chr10-54089994-G-C. GRCh37 (hg19) VCF-style: chr10-55849754-G-C.
Other names: p.Leu663Val; c.2002C>G, p.Leu668Val (NM_001142763.2, NM_001142771.2); c.1987C>G, p.Leu663Val (NM_001142764.2, NM_001142766.2, NM_001142770.3 and 5 more transcripts); c.1876C>G, p.Leu626Val (NM_001142767.2); c.1921C>G, p.Leu641Val (NM_001142768.2, NM_001142773.2, NM_001354404.2); c.2023C>G, p.Leu675Val (NM_001142769.4); c.2008C>G, p.Leu670Val (NM_001354411.2); c.1785-10570C>G (NM_001142765.2); short protein forms L641V, L668V, L663V, L670V, L626V, L675V.
Identifiers: ClinVar variation 1810395 (VCV001810395.2), dbSNP rs758868732, ClinGen allele CA5506187.
Genomic context (GRCh38, chr10:54,089,994, plus strand): 5'-CAGTACGTTGCTGTACATTTTTTTAAAGTAGGAAATCATTTTTAACTTACGTTTCTGAAA[G>C]ATTAAAAACTCTCTGAGGATCTCCATTCTCAATGGCATATGTTATTGAGTCTCCCTCTCG-3'
Protein context (NP_001371069.1, residues 653-673): ENGDPQRVFN[Leu663Val]SETTGILTLG

ClinVar aggregate classification (germline): Uncertain significance (1 of 4 stars; one submission).

Conditions:
Autosomal recessive nonsyndromic hearing loss 23. Identifiers: Orphanet 90636, MedGen C1836027, MONDO:0012293, OMIM 609533.

Allele frequency attached by ClinVar (database versions not stated): gnomAD exomes 0.00001; ExAC 0.00004.
gnomAD v4.1: 18 of 1,608,708 alleles (0.0011%); highest among the groups gnomAD compares: South Asian, 0.02%; no homozygotes.

Submission:

Foundation for Research in Genetics and Endocrinology, FRIGE's Institute of Human Genetics
Classification: Uncertain significance for Autosomal recessive nonsyndromic hearing loss 23. Last evaluated: 2022-11-25. Review status: criteria provided, single submitter. Criteria: ACMG Guidelines, 2015. Collection method: clinical testing. Allele origin: germline. Inheritance: Autosomal recessive inheritance. Affected: yes. Observed: 1 heterozygote.
Comment: A heterozygous missense variation in exon 16 of the PCDH15 gene that results in the amino acid substitution of Valine for Leucine at codon 663 (p.Leu663Va) was detected The p.Leu663Val variant has not been reported in the 1000 genomes and gnomAD databases. The in-silico predictions of the variant are possibly damaging by PolyPhen-2 (HumDiv). The reference codon is conserved across species. In summary, the variant meets our criteria to be classified as variant of uncertain significance.